The following is an entry in ClinVar:

NM_014908.4(DOLK):c.1403G>A (p.Gly468Glu)

Gene: DOLK (dolichol kinase; minus strand). Cytogenetic location: 9q34.11.
Variant type: single nucleotide variant.
Coding change: c.1403G>A on transcript NM_014908.4 (MANE Select); coding-DNA position 1403, G replaced by A.
Protein change: p.Gly468Glu; replaces glycine 468 with glutamic acid.
Molecular consequence: missense variant.
Genome position (GRCh38, 1-based): chr9:128,945,901, C>T on the plus strand (G>A on the coding strand, the complement: DOLK is on the minus strand). VCF-style: chr9-128945901-C-T. GRCh37 (hg19) VCF-style: chr9-131708180-C-T.
Other names: short protein forms G468E.
Identifiers: ClinVar variation 3661536 (VCV003661536.2).

ClinVar aggregate classification (germline): Uncertain significance (1 of 4 stars; one submission).

Conditions:
DK1-congenital disorder of glycosylation. Also called: DK1-CDG; DOLK-congenital disorder of glycosylation; Carbohydrate deficient glycoprotein syndrome type 1m; CONGENITAL DISORDER OF GLYCOSYLATION, TYPE Im; CDG Im; DK1 DEFICIENCY. Identifiers: Orphanet 91131, MedGen C1835849, MONDO:0012556, OMIM 610768.

gnomAD v4.1: 1 of 1,614,128 alleles (0.000062%); highest among the groups gnomAD compares: Non-Finnish European, 0.000085%; no homozygotes.

Submission:

Labcorp Genetics (formerly Invitae), Labcorp
Classification: Uncertain significance for DK1-congenital disorder of glycosylation. Last evaluated: 2024-08-28. Review status: criteria provided, single submitter. Criteria: Invitae Variant Classification Sherloc (09022015). Collection method: clinical testing. Allele origin: germline.
Comment: This sequence change replaces glycine, which is neutral and non-polar, with glutamic acid, which is acidic and polar, at codon 468 of the DOLK protein (p.Gly468Glu). This variant is not present in population databases (gnomAD no frequency). This variant has not been reported in the literature in individuals affected with DOLK-related conditions. Invitae Evidence Modeling of protein sequence and biophysical properties (such as structural, functional, and spatial information, amino acid conservation, physicochemical variation, residue mobility, and thermodynamic stability) indicates that this missense variant is expected to disrupt DOLK protein function with a positive predictive value of 80%. In summary, the available evidence is currently insufficient to determine the role of this variant in disease. Therefore, it has been classified as a Variant of Uncertain Significance.